The following is an entry in ClinVar:

NM_005982.4(SIX1):c.84G>C (p.Glu28Asp)

Gene: SIX1 (SIX homeobox 1; minus strand). Cytogenetic location: 14q23.1.
Variant type: single nucleotide variant.
Coding change: c.84G>C on transcript NM_005982.4 (MANE Select); coding-DNA position 84, G replaced by C.
Protein change: p.Glu28Asp; replaces glutamic acid 28 with aspartic acid.
Molecular consequence: missense variant.
Genome position (GRCh38, 1-based): chr14:60,649,106, C>G on the plus strand (G>C on the coding strand, the complement: SIX1 is on the minus strand). VCF-style: chr14-60649106-C-G. GRCh37 (hg19) VCF-style: chr14-61115824-C-G.
Other names: short protein forms E28D.
Identifiers: ClinVar variation 2431437 (VCV002431437.1), dbSNP rs146357380, ClinGen allele CA7212863.

ClinVar aggregate classification (germline): Uncertain significance (1 of 4 stars; one submission).

Conditions:
Autosomal dominant nonsyndromic hearing loss 23. Identifiers: Orphanet 90635, MedGen C1854594, MONDO:0011519, OMIM 605192.

Allele frequency attached by ClinVar (database versions not stated): ExAC 0.00001; gnomAD 0.00002; TOPMed 0.00003; ESP Exome Variant Server 0.00008.

Submission:

Laboratorio de Genetica e Diagnostico Molecular, Hospital Israelita Albert Einstein
Classification: Uncertain significance for Autosomal dominant nonsyndromic hearing loss 23. Last evaluated: 2022-10-21. Review status: criteria provided, single submitter. Criteria: ACMG Guidelines, 2015. Collection method: clinical testing. Allele origin: germline. Affected: yes. Observed: 1 variant allele.
Comment: ACMG classification criteria: PM2 supporting